The following is an entry in ClinVar:

NM_000429.3(MAT1A):c.*299G>A

Genes: MAT1A (methionine adenosyltransferase 1A; minus strand), LOC126860980 (CDK7 strongly-dependent group 2 enhancer GRCh37_chr10:82032694-82033893; plus strand). Cytogenetic location: 10q22.3.
Variant type: single nucleotide variant.
Coding change: c.*299G>A on transcript NM_000429.3 (MANE Select); 299 bases downstream of the stop codon, G replaced by A.
Molecular consequence: 3 prime UTR variant.
Genome position (GRCh38, 1-based): chr10:80,273,482, C>T on the plus strand (G>A on the coding strand, the complement: MAT1A is on the minus strand). VCF-style: chr10-80273482-C-T. GRCh37 (hg19) VCF-style: chr10-82033238-C-T.
Identifiers: ClinVar variation 301179 (VCV000301179.6), dbSNP rs7097297, ClinGen allele CA10636588.

ClinVar aggregate classification (germline): Benign. Review status: criteria provided, multiple submitters, no conflicts (2 of 4 stars). 2 submissions from 2 submitters: Benign (2). Last evaluated 2018-01-13.

Conditions:
Hepatic methionine adenosyltransferase deficiency. Also called: MAT I/III DEFICIENCY; Methionine adenosyltransferase deficiency; Deficiency of methionine adenosyltransferase; Isolated Persistent Hypermethioninemia. Identifiers: Orphanet 168598, MedGen C0268621, MeSH C564683, MONDO:0009607, OMIM 250850.

Allele frequency attached by ClinVar (database versions not stated): 1000 Genomes Project 0.03994; gnomAD 0.03775 and 0.04036; 1000 Genomes Project 30x 0.04138; gnomAD exomes 0.00532; TOPMed 0.04283.
gnomAD v4.1: 7,017 of 392,188 alleles (1.8%); highest among the groups gnomAD compares: African/African-American, 13%; 415 homozygotes.

Submissions (2):

Illumina Laboratory Services, Illumina
Classification: Benign for Hepatic methionine adenosyltransferase deficiency. Last evaluated: 2018-01-13. Review status: criteria provided, single submitter. Criteria: ICSL Variant Classification Criteria 13 December 2019. Collection method: clinical testing. Allele origin: germline.
Comment: This variant was observed in the ICSL laboratory as part of a predisposition screen in an ostensibly healthy population. It had not been previously curated by ICSL or reported in the Human Gene Mutation Database (HGMD: prior to June 1st, 2018), and was therefore a candidate for classification through an automated scoring system. Utilizing variant allele frequency, disease prevalence and penetrance estimates, and inheritance mode, an automated score was calculated to assess if this variant is too frequent to cause the disease. Based on the score and internal cut-off values, a variant classified as benign is not then subjected to further curation. The score for this variant resulted in a classification of benign for this disease.

Breakthrough Genomics
Classification: Benign. Review status: criteria provided, single submitter. Criteria: ACMG Guidelines, 2015. Collection method: not provided. Allele origin: germline. Inheritance: Autosomal dominant inheritance. Affected: yes.